The following is an entry in ClinVar:

NM_024079.5(ALG8):c.1329G>A (p.Ser443=)

Gene: ALG8 (ALG8 alpha-1,3-glucosyltransferase; minus strand). Cytogenetic location: 11q14.1.
Variant type: single nucleotide variant.
Coding change: c.1329G>A on transcript NM_024079.5 (MANE Select); coding-DNA position 1329, G replaced by A.
Protein change: p.Ser443=; no amino-acid change (serine 443 retained).
Molecular consequence: synonymous variant.
Genome position (GRCh38, 1-based): chr11:78,104,000, C>T on the plus strand (G>A on the coding strand, the complement: ALG8 is on the minus strand). VCF-style: chr11-78104000-C-T. GRCh37 (hg19) VCF-style: chr11-77815046-C-T.
Other names: c.1329G>A, p.Ser443= (NM_001007027.3, NM_001425222.1, NM_001425230.1 and 1 more transcripts); c.1332G>A, p.Ser444= (NM_001425219.1); c.1314G>A, p.Ser438= (NM_001425220.1); c.1254G>A, p.Ser418= (NM_001425221.1); c.1323G>A, p.Ser441= (NM_001425223.1); c.1422G>A, p.Ser474= (NM_001425224.1); c.1377G>A, p.Ser459= (NM_001425225.1); c.1176G>A, p.Ser392= (NM_001425226.1, NM_001425236.1); and 9 more.
Identifiers: ClinVar variation 3031593 (VCV003031593.4), dbSNP rs541273577, ClinGen allele CA6203152.

ClinVar aggregate classification (germline): Likely benign. Review status: criteria provided, single submitter (1 of 4 stars). 2 submissions from 2 submitters: Likely benign (1). 1 of the submissions does not count toward it. Last evaluated 2025-10-08.

Conditions:
ALG8 congenital disorder of glycosylation. Also called: CONGENITAL DISORDER OF GLYCOSYLATION, TYPE Ih; CDG Ih; ALG8-CDG. Identifiers: Orphanet 79325, MedGen C2931002, MONDO:0011969, OMIM 608104.
ALG8-related disorder.

Allele frequency attached by ClinVar (database versions not stated): gnomAD exomes 0.00002; ExAC 0.00003; TOPMed 0.00007; 1000 Genomes Project 30x 0.00016; 1000 Genomes Project 0.00020.
gnomAD v4.1: 41 of 1,493,296 alleles (0.0027%); highest among the groups gnomAD compares: African/African-American, 0.012%; no homozygotes.

Submissions (2):

Labcorp Genetics (formerly Invitae), Labcorp
Classification: Likely benign for ALG8 congenital disorder of glycosylation. Last evaluated: 2025-10-08. Review status: criteria provided, single submitter. Criteria: Invitae Variant Classification Sherloc (09022015). Collection method: clinical testing. Allele origin: germline.

PreventionGenetics, part of Exact Sciences
Classification: Likely benign for ALG8-related condition. Last evaluated: 2023-10-11. Review status: no assertion criteria provided. Collection method: clinical testing. Allele origin: germline. Not counted in ClinVar's aggregate classification.
Comment: This variant is classified as likely benign based on ACMG/AMP sequence variant interpretation guidelines (Richards et al. 2015 PMID: 25741868, with internal and published modifications).